The following is an entry in ClinVar:

NM_007347.5(AP4E1):c.1178C>T (p.Thr393Ile)

Gene: AP4E1 (adaptor related protein complex 4 subunit epsilon 1; plus strand). Cytogenetic location: 15q21.2.
Variant type: single nucleotide variant.
Coding change: c.1178C>T on transcript NM_007347.5 (MANE Select); coding-DNA position 1178, C replaced by T.
Protein change: p.Thr393Ile; replaces threonine 393 with isoleucine.
Molecular consequence: missense variant.
Genome position (GRCh38, 1-based): chr15:50,948,021, C>T. VCF-style: chr15-50948021-C-T. GRCh37 (hg19) VCF-style: chr15-51240218-C-T.
Other names: c.953C>T, p.Thr318Ile (NM_001252127.2); short protein forms T318I, T393I.
Identifiers: ClinVar variation 1374335 (VCV001374335.6), dbSNP rs201339574, ClinGen allele CA270526931.
Genomic context (GRCh38, chr15:50,948,021, plus strand): 5'-ACTCATTGGTGTTATGCATAGTTTTATAATATTGTTTTTAATTTTTCTTCTTTAAATAGA[C>T]TCTGGAACTTCTTTACAGAATTACTAATGCACAGAATATAACAGTTATTGTCCAGAAAAT-3'
Protein context (NP_031373.2, residues 383-403): DHPDPIIKRE[Thr393Ile]LELLYRITNA

ClinVar aggregate classification (germline): Uncertain significance (1 of 4 stars; one submission).

Conditions:
Spastic paraplegia. Identifiers: MedGen C0037772, HP:0001258.

Allele frequency attached by ClinVar (database versions not stated): gnomAD exomes below 0.00001; TOPMed below 0.00001.
gnomAD v4.1: 4 of 1,594,634 alleles (0.00025%); highest among the groups gnomAD compares: Non-Finnish European, 0.00034%; no homozygotes.

Submission:

Labcorp Genetics (formerly Invitae), Labcorp
Classification: Uncertain significance for Spastic paraplegia. Last evaluated: 2021-12-02. Review status: criteria provided, single submitter. Criteria: Invitae Variant Classification Sherloc (09022015). Collection method: clinical testing. Allele origin: germline.
Comment: In summary, the available evidence is currently insufficient to determine the role of this variant in disease. Therefore, it has been classified as a Variant of Uncertain Significance. Algorithms developed to predict the effect of missense changes on protein structure and function are either unavailable or do not agree on the potential impact of this missense change (SIFT: "Deleterious"; PolyPhen-2: "Probably Damaging"; Align-GVGD: "Class C0"). This variant has not been reported in the literature in individuals affected with AP4E1-related conditions. This variant is not present in population databases (gnomAD no frequency). This sequence change replaces threonine, which is neutral and polar, with isoleucine, which is neutral and non-polar, at codon 393 of the AP4E1 protein (p.Thr393Ile).